The following is an entry in ClinVar:

NM_201550.4(LRRC10):c.149C>G (p.Ser50Cys)

Gene: LRRC10 (leucine rich repeat containing 10; minus strand). Cytogenetic location: 12q15.
Variant type: single nucleotide variant.
Coding change: c.149C>G on transcript NM_201550.4 (MANE Select); coding-DNA position 149, C replaced by G.
Protein change: p.Ser50Cys; replaces serine 50 with cysteine.
Molecular consequence: missense variant.
Genome position (GRCh38, 1-based): chr12:69,610,690, G>C on the plus strand (C>G on the coding strand, the complement: LRRC10 is on the minus strand). VCF-style: chr12-69610690-G-C. GRCh37 (hg19) VCF-style: chr12-70004470-G-C.
Other names: short protein forms S50C.
Identifiers: ClinVar variation 3644699 (VCV003644699.2).

ClinVar aggregate classification (germline): Uncertain significance (1 of 4 stars; one submission).

Submission:

Labcorp Genetics (formerly Invitae), Labcorp
Classification: Uncertain significance. Last evaluated: 2024-03-06. Review status: criteria provided, single submitter. Criteria: Invitae Variant Classification Sherloc (09022015). Collection method: clinical testing. Allele origin: germline.
Comment: This sequence change replaces serine, which is neutral and polar, with cysteine, which is neutral and slightly polar, at codon 50 of the LRRC10 protein (p.Ser50Cys). This variant is not present in population databases (gnomAD no frequency). This variant has not been reported in the literature in individuals affected with LRRC10-related conditions. An algorithm developed to predict the effect of missense changes on protein structure and function (PolyPhen-2) suggests that this variant is likely to be disruptive. In summary, the available evidence is currently insufficient to determine the role of this variant in disease. Therefore, it has been classified as a Variant of Uncertain Significance.